The following is an entry in ClinVar:

NM_206926.2(SELENON):c.325GAG[5] (p.Glu112dup)

Gene: SELENON (selenoprotein N; plus strand). Cytogenetic location: 1p36.11.
Variant type: Microsatellite.
Coding change: c.325GAG[5] on transcript NM_206926.2 (MANE Select); five copies in a row of the 3-base unit GAG starting at c.325; the reference has four copies in a row; one copy, 3 bases duplicated.
Protein change: p.Glu112dup; duplicates glutamic acid 112.
Molecular consequence: inframe insertion.
Genome position (GRCh38, 1-based): chr1:25,805,174-25,805,176, GAG duplicated; duplicating any 3 consecutive bases within chr1:25,805,165-25,805,176 gives the same sequence; the position shown is the placement nearest the transcript's 3' end. VCF-style (leftmost placement, unchanged base first): chr1-25805164-C-CGAG. GRCh37 (hg19) VCF-style: chr1-26131655-C-CGAG.
Other names: p.Glu146dup; c.427GAG[5], p.Glu146dup (NM_020451.3); c.436_438dup (NM_020451.3).
Identifiers: ClinVar variation 95965 (VCV000095965.32), dbSNP rs141295085, ClinGen allele CA208825.

ClinVar aggregate classification (germline): Conflicting classifications of pathogenicity. Review status: criteria provided, conflicting classifications (1 of 4 stars). 7 submissions from 7 submitters: Uncertain significance (2); Benign (5). Last evaluated 2026-02-02.

Conditions:
Eichsfeld type congenital muscular dystrophy (CMYO3). Also called: Rigid spine muscular dystrophy 1; MYOPATHY, SEPN1-RELATED; SELENON-related myopathy; Congenital myopathy 3 with rigid spine. Identifiers: MedGen C0410180, MONDO:0100100, OMIM 602771.

Submissions (7):

Labcorp Genetics (formerly Invitae), Labcorp
Classification: Benign for Eichsfeld type congenital muscular dystrophy. Last evaluated: 2026-02-02. Review status: criteria provided, single submitter. Criteria: Invitae Variant Classification Sherloc (09022015). Collection method: clinical testing. Allele origin: germline.

Athena Diagnostics
Classification: Benign. Last evaluated: 2025-02-21. Review status: criteria provided, single submitter. Criteria: Athena Diagnostics Criteria. Collection method: clinical testing. Allele origin: unknown.
Comment: The frequency of this variant in the general population is higher than would generally be expected for pathogenic variants in this gene.

Mayo Clinic Laboratories, Mayo Clinic
Classification: Benign. Last evaluated: 2018-10-04. Review status: criteria provided, single submitter. Criteria: ACMG Guidelines, 2015. Collection method: clinical testing. Allele origin: germline. Observed: 9 variant alleles.

GeneDx
Classification: Benign. Last evaluated: 2017-05-25. Review status: criteria provided, single submitter. Criteria: GeneDx Variant Classification Process June 2021. Collection method: clinical testing. Allele origin: germline. Affected: yes.

PreventionGenetics, part of Exact Sciences
Classification: Benign. Last evaluated: 2016-03-08. Review status: criteria provided, single submitter. Criteria: ACMG Guidelines, 2015. Collection method: clinical testing. Allele origin: germline.

Genetic Services Laboratory, University of Chicago
Classification: Uncertain significance. Last evaluated: 2015-08-06. Review status: criteria provided, single submitter. Criteria: ACMG Guidelines, 2015. Collection method: clinical testing. Allele origin: germline.

Eurofins Ntd Llc (ga)
Classification: Uncertain significance. Last evaluated: 2013-01-21. Review status: criteria provided, single submitter. Criteria: EGL Classification Definitions. Collection method: clinical testing. Allele origin: germline. Observed: 1 variant allele, 1 heterozygote.

Literature cited by the submitters: PubMed 23757202 (cited by Eurofins Ntd Llc (ga)).